The following is an entry in ClinVar:

NM_014780.5(CUL7):c.4935C>T (p.Ser1645=)

Gene: CUL7 (cullin 7; minus strand). Cytogenetic location: 6p21.1.
Variant type: single nucleotide variant.
Coding change: c.4935C>T on transcript NM_014780.5 (MANE Select); coding-DNA position 4935, C replaced by T.
Protein change: p.Ser1645=; no amino-acid change (serine 1645 retained).
Molecular consequence: synonymous variant.
Genome position (GRCh38, 1-based): chr6:43,037,850, G>A on the plus strand (C>T on the coding strand, the complement: CUL7 is on the minus strand). VCF-style: chr6-43037850-G-A. GRCh37 (hg19) VCF-style: chr6-43005588-G-A.
Other names: c.5031C>T, p.Ser1677= (NM_001168370.2, NM_001374872.1); c.4947C>T, p.Ser1649= (NM_001374873.1); c.4932C>T, p.Ser1644= (NM_001374874.1).
Identifiers: ClinVar variation 356816 (VCV000356816.38), dbSNP rs116910528, ClinGen allele CA3813072.

ClinVar aggregate classification (germline): Benign/Likely benign. Review status: criteria provided, multiple submitters, no conflicts (2 of 4 stars). 5 submissions from 5 submitters: Benign (2); Likely benign (3). Last evaluated 2026-08-18.

Conditions:
CUL7-related disorder. Also called: CUL7-related condition.
3M syndrome 1. Also called: 3-M Syndrome, CUL7-Related. Identifiers: Orphanet 2616, MedGen C2678312, MONDO:0010117, OMIM 273750.

Allele frequency attached by ClinVar (database versions not stated): ESP Exome Variant Server 0.00015; gnomAD 0.00049 and 0.00059; gnomAD exomes 0.00050 and 0.00108; TOPMed 0.00073; ExAC 0.00121; 1000 Genomes Project 30x 0.00172; 1000 Genomes Project 0.00200.
gnomAD v4.1: 888 of 1,613,508 alleles (0.055%); highest among the groups gnomAD compares: East Asian, 1.7%; 7 homozygotes.

Submissions (5):

PreventionGenetics, part of Exact Sciences
Classification: Likely benign for CUL7-related condition. Last evaluated: 2026-08-18. Review status: criteria provided, single submitter. Criteria: ACMG Guidelines, 2015. Collection method: clinical testing. Allele origin: germline.
Comment: This variant is classified as likely benign based on ACMG/AMP sequence variant interpretation guidelines (Richards et al. 2015 PMID: 25741868, with internal and published modifications).

Labcorp Genetics (formerly Invitae), Labcorp
Classification: Benign. Last evaluated: 2026-01-26. Review status: criteria provided, single submitter. Criteria: Invitae Variant Classification Sherloc (09022015). Collection method: clinical testing. Allele origin: germline.

Blueprint Genetics
Classification: Likely benign. Last evaluated: 2024-11-25. Review status: criteria provided, single submitter. Criteria: ACMG Guidelines, 2015. Collection method: clinical testing. Allele origin: germline.

CeGaT Center for Human Genetics Tuebingen
Classification: Likely benign. Last evaluated: 2024-02-01. Review status: criteria provided, single submitter. Criteria: CeGaT Center For Human Genetics Tuebingen Variant Classification Criteria Version 2. Collection method: clinical testing. Allele origin: germline. Affected: yes. Observed: 1 variant allele.
Comment: CUL7: BP4, BP7, BS1

Illumina Laboratory Services, Illumina
Classification: Benign for 3M syndrome 1. Last evaluated: 2018-01-12. Review status: criteria provided, single submitter. Criteria: ICSL Variant Classification Criteria 13 December 2019. Collection method: clinical testing. Allele origin: germline.
Comment: This variant was observed in the ICSL laboratory as part of a predisposition screen in an ostensibly healthy population. It had not been previously curated by ICSL or reported in the Human Gene Mutation Database (HGMD: prior to June 1st, 2018), and was therefore a candidate for classification through an automated scoring system. Utilizing variant allele frequency, disease prevalence and penetrance estimates, and inheritance mode, an automated score was calculated to assess if this variant is too frequent to cause the disease. Based on the score and internal cut-off values, a variant classified as benign is not then subjected to further curation. The score for this variant resulted in a classification of benign for this disease.